The following is an entry in ClinVar:

NM_016579.4(CD320):c.350C>T (p.Ser117Phe)

Gene: CD320 (CD320 molecule; minus strand). Cytogenetic location: 19p13.2.
Variant type: single nucleotide variant.
Coding change: c.350C>T on transcript NM_016579.4 (MANE Select); coding-DNA position 350, C replaced by T.
Protein change: p.Ser117Phe; replaces serine 117 with phenylalanine.
Molecular consequence: missense variant.
Genome position (GRCh38, 1-based): chr19:8,304,007, G>A on the plus strand (C>T on the coding strand, the complement: CD320 is on the minus strand). VCF-style: chr19-8304007-G-A. GRCh37 (hg19) VCF-style: chr19-8368891-G-A.
Other names: c.224C>T, p.Ser75Phe (NM_001165895.2); short protein forms S75F, S117F.
Identifiers: ClinVar variation 2408315 (VCV002408315.5), dbSNP rs1258505304, ClinGen allele CA403713190.
Genomic context (GRCh38, chr19:8,304,007, plus strand): 5'-AGCTCGCCTGCTAGGCAGGCCAGGCGGCTGCAGTTGCGCAGTTTCTTGTCAGTTCCCCCA[G>A]AGCAGTCACTGACGCCGGTGCAGGGGCAGGGGAGGCCAGGGGGCGGTGGGCATTGCCCTT-3'
Protein context (NP_057663.1, residues 107-127): PCPCTGVSDC[Ser117Phe]GGTDKKLRNC

ClinVar aggregate classification (germline): Uncertain significance. Review status: criteria provided, multiple submitters, no conflicts (2 of 4 stars). 2 submissions from 2 submitters: Uncertain significance (2). Last evaluated 2023-04-22.

Conditions:
Methylmalonic acidemia due to transcobalamin receptor defect (MATR). Also called: METHYLMALONIC ACIDURIA, TRANSIENT, DUE TO TRANSCOBALAMIN RECEPTOR DEFECT; METHYLMALONIC ACIDEMIA, TCblR TYPE. Identifiers: Orphanet 280183, MedGen C4749905, MONDO:0013341, OMIM 613646.

Allele frequency attached by ClinVar (database versions not stated): gnomAD 0.00001; TOPMed 0.00002.
gnomAD v4.1: 65 of 1,569,452 alleles (0.0041%); highest among the groups gnomAD compares: Non-Finnish European, 0.0054%; no homozygotes.

Submissions (2):

Labcorp Genetics (formerly Invitae), Labcorp
Classification: Uncertain significance for Methylmalonic acidemia due to transcobalamin receptor defect. Last evaluated: 2023-04-22. Review status: criteria provided, single submitter. Criteria: Invitae Variant Classification Sherloc (09022015). Collection method: clinical testing. Allele origin: germline.
Comment: This variant has not been reported in the literature in individuals affected with CD320-related conditions. This variant is not present in population databases (gnomAD no frequency). This sequence change replaces serine, which is neutral and polar, with phenylalanine, which is neutral and non-polar, at codon 117 of the CD320 protein (p.Ser117Phe). ClinVar contains an entry for this variant (Variation ID: 2408315). In summary, the available evidence is currently insufficient to determine the role of this variant in disease. Therefore, it has been classified as a Variant of Uncertain Significance. An algorithm developed to predict the effect of missense changes on protein structure and function (PolyPhen-2) suggests that this variant is likely to be tolerated.

Ambry Genetics
Classification: Uncertain significance. Last evaluated: 2022-11-01. Review status: criteria provided, single submitter. Criteria: Ambry Variant Classification Scheme 2023. Collection method: clinical testing. Allele origin: germline.